The following is an entry in ClinVar:

ClinVar aggregate classification (germline): Uncertain significance (1 of 4 stars; one submission).

Conditions:
Catecholaminergic polymorphic ventricular tachycardia 1. Also called: VENTRICULAR TACHYCARDIA, CATECHOLAMINERGIC POLYMORPHIC, 1, WITH OR WITHOUT ATRIAL DYSFUNCTION AND/OR DILATED CARDIOMYOPATHY; RYR2-Related Catecholaminergic Polymorphic Ventricular Tachycardia; VENTRICULAR TACHYCARDIA, STRESS-INDUCED POLYMORPHIC 1. Identifiers: Orphanet 3286, MedGen C1631597, MONDO:0011484, OMIM 604772.

Submission:

Labcorp Genetics (formerly Invitae), Labcorp
Classification: Uncertain significance for Catecholaminergic polymorphic ventricular tachycardia 1. Last evaluated: 2022-04-24. Review status: criteria provided, single submitter. Criteria: Invitae Variant Classification Sherloc (09022015). Collection method: clinical testing. Allele origin: germline.
Comment: This variant has not been reported in the literature in individuals affected with RYR2-related conditions. In summary, the available evidence is currently insufficient to determine the role of this variant in disease. Therefore, it has been classified as a Variant of Uncertain Significance. Information on the frequency of this variant in the gnomAD database is not available, as this variant may be reported differently in the database. This sequence change creates a premature translational stop signal (p.Ala2213Serfs*3) in the RYR2 gene. It is expected to result in an absent or disrupted protein product. However, the current clinical and genetic evidence is not sufficient to establish whether loss-of-function variants in RYR2 cause disease.

NM_001035.3(RYR2):c.6637_6644delinsTCAAAATAAC (p.Ala2213_Phe2215delinsSerLysTer)

Gene: RYR2 (ryanodine receptor 2; plus strand). Cytogenetic location: 1q43.
Variant type: Indel.
Coding change: c.6637_6644delinsTCAAAATAAC on transcript NM_001035.3 (MANE Select); coding-DNA positions 6637 to 6644, GCTATGTT replaced by TCAAAATAAC.
Protein change: p.Ala2213_Phe2215delinsSerLysTer.
Molecular consequence: nonsense.
Genome position (GRCh38, 1-based): chr1:237,633,659-237,633,666, GCTATGTT replaced by TCAAAATAAC. VCF-style: chr1-237633659-GCTATGTT-TCAAAATAAC. GRCh37 (hg19) VCF-style: chr1-237796959-GCTATGTT-TCAAAATAAC.
Identifiers: ClinVar variation 969745 (VCV000969745.7), dbSNP rs1680570117, ClinGen allele CA1139656660.
Genomic context (GRCh38, chr1:237,633,659, plus strand): 5'-GTGGCCAACTGTTGCCGTTTTCTCTGTTACTTCTGTCGTATAAGTAGGCAGAATCAAAAA[GCTATGTT>TCAAAATAAC]TGATCATCTCAGTTATTTACTGGAAAACAGCAGTGTTGGTCTTGGTAAGTAAATGACTTT-3'